The following is an entry in ClinVar:

NM_006379.5(SEMA3C):c.1885C>G (p.Leu629Val)

Gene: SEMA3C (semaphorin 3C; minus strand). Cytogenetic location: 7q21.11.
Variant type: single nucleotide variant.
Coding change: c.1885C>G on transcript NM_006379.5 (MANE Select); coding-DNA position 1885, C replaced by G.
Protein change: p.Leu629Val; replaces leucine 629 with valine.
Molecular consequence: missense variant.
Genome position (GRCh38, 1-based): chr7:80,745,265, G>C on the plus strand (C>G on the coding strand, the complement: SEMA3C is on the minus strand). VCF-style: chr7-80745265-G-C. GRCh37 (hg19) VCF-style: chr7-80374581-G-C.
Other names: c.1939C>G, p.Leu647Val (NM_001350120.2); c.1711C>G, p.Leu571Val (NM_001350121.2); c.1885C>G (NM_006379.3); short protein forms L571V, L629V, L647V.
Identifiers: ClinVar variation 3056756 (VCV003056756.4), dbSNP rs780977149, ClinGen allele CA4315948.

ClinVar aggregate classification (germline): Uncertain significance. Review status: criteria provided, multiple submitters, no conflicts (2 of 4 stars). 2 submissions from 2 submitters: Uncertain significance (2). Last evaluated 2026-08-11.

Conditions:
SEMA3C-related disorder. Also called: SEMA3C-related condition.

Allele frequency attached by ClinVar (database versions not stated): ExAC 0.00001; TOPMed 0.00006; gnomAD 0.00007.
gnomAD v4.1: 20 of 1,613,840 alleles (0.0012%); highest among the groups gnomAD compares: African/African-American, 0.025%; no homozygotes.

Submissions (2):

PreventionGenetics, part of Exact Sciences
Classification: Uncertain significance for SEMA3C-related condition. Last evaluated: 2026-08-11. Review status: criteria provided, single submitter. Criteria: ACMG Guidelines, 2015. Collection method: clinical testing. Allele origin: germline.
Comment: The SEMA3C c.1939C>G variant is predicted to result in the amino acid substitution p.Leu647Val. To our knowledge, this variant has not been reported in the literature. This variant is reported in 0.032% of alleles in individuals of African descent in gnomAD. At this time, the clinical significance of this variant is uncertain due to the absence of conclusive functional and genetic evidence.

Ambry Genetics
Classification: Uncertain significance. Last evaluated: 2024-11-28. Review status: criteria provided, single submitter. Criteria: Ambry Variant Classification Scheme 2023. Collection method: clinical testing. Allele origin: germline.